The following is an entry in ClinVar:

NM_000719.7(CACNA1C):c.1508+264T>A

Gene: CACNA1C (calcium voltage-gated channel subunit alpha1 C; plus strand). Cytogenetic location: 12p13.33.
Variant type: single nucleotide variant.
Coding change: c.1508+264T>A on transcript NM_000719.7 (MANE Select); 264 bases into the intron after coding-DNA position 1508, T replaced by A.
Molecular consequence: intron variant.
Genome position (GRCh38, 1-based): chr12:2,557,241, T>A. VCF-style: chr12-2557241-T-A. GRCh37 (hg19) VCF-style: chr12-2666407-T-A.
Other names: c.1508+264T>A (NM_001167624.3, NM_001167623.2, NM_001167625.2 and 18 more transcripts); c.1499+264T>A (NM_001129844.2).
Identifiers: ClinVar variation 683263 (VCV000683263.5), dbSNP rs4765959, ClinGen allele CA231608099.

ClinVar aggregate classification (germline): Benign. Review status: criteria provided, multiple submitters, no conflicts (2 of 4 stars). 2 submissions from 2 submitters: Benign (2). Last evaluated 2019-12-31.

Conditions:
Long QT syndrome (LQTS). Identifiers: MedGen C0023976, MeSH D008133, MONDO:0002442. Disease mechanism: loss of function. Inheritance: Various modes of inheritance.

Allele frequency attached by ClinVar (database versions not stated): 1000 Genomes Project 30x 0.12758; 1000 Genomes Project 0.13039; TOPMed 0.16097; gnomAD 0.16686 and 0.16775.
gnomAD v4.1: 25,544 of 152,214 alleles (17%); highest among the groups gnomAD compares: Middle Eastern, 22%; 2,436 homozygotes.

Submissions (2):

Labcorp Genetics (formerly Invitae), Labcorp
Classification: Benign for Long QT syndrome. Last evaluated: 2019-12-31. Review status: criteria provided, single submitter. Criteria: Invitae Variant Classification Sherloc (09022015). Collection method: clinical testing. Allele origin: germline.

GeneDx
Classification: Benign. Last evaluated: 2018-06-19. Review status: criteria provided, single submitter. Criteria: GeneDx Variant Classification (06012015). Collection method: clinical testing. Allele origin: germline. Affected: yes.
Comment: This variant is considered likely benign or benign based on one or more of the following criteria: it is a conservative change, it occurs at a poorly conserved position in the protein, it is predicted to be benign by multiple in silico algorithms, and/or has population frequency not consistent with disease.